The following is an entry in ClinVar:

ClinVar aggregate classification (germline): Uncertain significance (1 of 4 stars; one submission).

Conditions:
Genitopatellar syndrome (GTPTS). Also called: Genitopatellar syndrome (GPS); ABSENT PATELLAE, SCROTAL HYPOPLASIA, RENAL ANOMALIES, FACIAL DYSMORPHISM, AND MENTAL RETARDATION. Identifiers: Orphanet 85201, MedGen C1853566, MONDO:0011640, OMIM 606170.

Allele frequency attached by ClinVar (database versions not stated): gnomAD exomes 0.00001.
gnomAD v4.1: 8 of 1,613,966 alleles (0.0005%); highest among the groups gnomAD compares: Non-Finnish European, 0.00068%; no homozygotes.

Submission:

Labcorp Genetics (formerly Invitae), Labcorp
Classification: Uncertain significance for Genitopatellar syndrome. Last evaluated: 2025-04-01. Review status: criteria provided, single submitter. Criteria: Invitae Variant Classification Sherloc (09022015). Collection method: clinical testing. Allele origin: germline.
Comment: This sequence change replaces serine, which is neutral and polar, with proline, which is neutral and non-polar, at codon 193 of the KAT6B protein (p.Ser193Pro). This variant is not present in population databases (gnomAD no frequency). This variant has not been reported in the literature in individuals affected with KAT6B-related conditions. ClinVar contains an entry for this variant (Variation ID: 2064914). An algorithm developed to predict the effect of missense changes on protein structure and function (PolyPhen-2) suggests that this variant is likely to be tolerated. In summary, the available evidence is currently insufficient to determine the role of this variant in disease. Therefore, it has been classified as a Variant of Uncertain Significance.

NM_012330.4(KAT6B):c.577T>C (p.Ser193Pro)

Gene: KAT6B (lysine acetyltransferase 6B; plus strand). Cytogenetic location: 10q22.2.
Variant type: single nucleotide variant.
Coding change: c.577T>C on transcript NM_012330.4 (MANE Select); coding-DNA position 577, T replaced by C.
Protein change: p.Ser193Pro; replaces serine 193 with proline.
Molecular consequence: missense variant. On other transcripts: synonymous variant (2).
Genome position (GRCh38, 1-based): chr10:74,843,434, T>C. VCF-style: chr10-74843434-T-C. GRCh37 (hg19) VCF-style: chr10-76603192-T-C.
Other names: c.577T>C, p.Ser193Pro (NM_001256468.2, NM_001256469.2, NM_001370132.1 and 10 more transcripts); c.39T>C, p.His13= (NM_001370134.1, NM_001370135.1); short protein forms S193P.
Identifiers: ClinVar variation 2064914 (VCV002064914.4), dbSNP rs1028333030, ClinGen allele CA209908711.
Genomic context (GRCh38, chr10:74,843,434, plus strand): 5'-AGGGTCAATTATGGGAGCTTAGATGGCAAAGGGGCACCTCAGTATCCCAGTGCATTCCCA[T>C]CCTCGCTCCCACCTGTCAGCCTTCTACCCCATGAGAAAGACCAGGTAAGCGAAGGAGTAA-3'
Protein context (NP_036462.2, residues 183-203): GAPQYPSAFP[Ser193Pro]SLPPVSLLPH